The following is an entry in ClinVar:

ClinVar aggregate classification (germline): Pathogenic/Likely pathogenic. Review status: criteria provided, multiple submitters, no conflicts (2 of 4 stars). 6 submissions from 6 submitters: Pathogenic (2); Likely pathogenic (3). 1 of the submissions does not count toward it. Last evaluated 2025-11-04.

Conditions:
Chronic granulomatous disease. Identifiers: Orphanet 379, MedGen C0018203, MONDO:0018305.
Granulomatous disease, chronic, autosomal recessive, cytochrome b-negative. Also called: CGD DUE TO DEFICIENCY OF THE ALPHA SUBUNIT OF CYTOCHROME b; CGD, AUTOSOMAL RECESSIVE CYTOCHROME b-NEGATIVE; CYBA DEFICIENCY; GRANULOMATOUS DISEASE, CHRONIC, AUTOSOMAL RECESSIVE, 4; Chronic granulomatous disease, autosomal, due to deficiency of CYBA. Identifiers: Orphanet 379, MedGen C1856255, MONDO:0009308, OMIM 233690.

Allele frequency attached by ClinVar (database versions not stated): ExAC 0.00001; gnomAD exomes below 0.00001.
gnomAD v4.1: 6 of 1,613,914 alleles (0.00037%); highest among the groups gnomAD compares: East Asian, 0.0022%; no homozygotes.

Submissions (6):

Labcorp Genetics (formerly Invitae), Labcorp
Classification: Pathogenic for Granulomatous disease, chronic, autosomal recessive, cytochrome b-negative. Last evaluated: 2025-11-04. Review status: criteria provided, single submitter. Criteria: Invitae Variant Classification Sherloc (09022015). Collection method: clinical testing. Allele origin: germline.
Comment: This sequence change replaces arginine, which is basic and polar, with glutamine, which is neutral and polar, at codon 90 of the CYBA protein (p.Arg90Gln). This variant is present in population databases (rs104894513, gnomAD 0.003%). This missense change has been observed in individual(s) with chronic granulomatous disease (PMID: 2243141, 29560547, 30470980). In at least one individual the data is consistent with being in trans (on the opposite chromosome) from a pathogenic variant. This variant is also known as G-297>A (Arg-90>Gln). ClinVar contains an entry for this variant (Variation ID: 2258). An algorithm developed to predict the effect of missense changes on protein structure and function (PolyPhen-2) suggests that this variant is likely to be disruptive. This variant disrupts the p.Arg90 amino acid residue in CYBA. Other variant(s) that disrupt this residue have been determined to be pathogenic (PMID: 10910929, 20167518). This suggests that this residue is clinically significant, and that variants that disrupt this residue are likely to be disease-causing. For these reasons, this variant has been classified as Pathogenic.

Natera, Inc.
Classification: Pathogenic for Chronic granulomatous disease. Last evaluated: 2025-05-19. Review status: criteria provided, single submitter. Criteria: Natera Variant Classification Schema (03/2026). Collection method: clinical testing. Allele origin: germline.
Comment: The c.269G>A variant in CYBA is a missense variant predicted to cause substitution of arginine to glutamine at amino acid 90. This variant is rare in the general population with a frequency below the threshold expected for the associated phenotype(s). This variant has been observed in one or more individuals affected with the associated recessive disease, as either homozygous or compound heterozygous with a second variant (PMID: 1415254, 21190454, 30470980, 36214981). Functional studies show that this variant may disrupt protein function (PMID: 18849343, 27614387). A different variant at the same position has been determined to be Pathogenic or Likely Pathogenic. Computational prediction algorithms indicate this variant is likely to affect gene or protein function. Given the available evidence, this variant is classified as Pathogenic.

Myriad Genetics, Inc.
Classification: Likely pathogenic for Granulomatous disease, chronic, autosomal recessive, cytochrome b-negative. Last evaluated: 2025-02-24. Review status: criteria provided, single submitter. Criteria: Myriad Autosomal Dominant, Autosomal Recessive and X-Linked Classification Criteria (2023). Collection method: clinical testing. Allele origin: unknown.
Comment: NM_000101.3(CYBA):c.269G>A(R90Q) is a missense variant classified as likely pathogenic in the context of chronic granulomatous disease, CYBA-related. R90Q has been observed in cases with relevant disease (PMID: 1415254, 2243141, 36214981, 30470980, 28941186, 29560547). Relevant functional assessments of this variant are available in the literature (PMID: 36606663). R90Q has been observed in referenced population frequency databases. In summary, NM_000101.3(CYBA):c.269G>A(R90Q) is a missense variant that has been observed more frequently in cases with the relevant disease than in healthy populations. Please note: this variant was assessed in the context of healthy population screening.

Fulgent Genetics
Classification: Likely pathogenic for Granulomatous disease, chronic, autosomal recessive, cytochrome b-negative. Last evaluated: 2024-03-08. Review status: criteria provided, single submitter. Criteria: ACMG Guidelines, 2015. Collection method: clinical testing. Allele origin: germline.

Juno Genomics, Hangzhou Juno Genomics, Inc
Classification: Likely pathogenic for Granulomatous disease, chronic, autosomal recessive, cytochrome b-negative. Review status: criteria provided, single submitter. Criteria: ACMG Guidelines, 2015. Collection method: clinical testing. Allele origin: germline.
Comment: Absent from controls (or at extremely low frequency if recessive) in Genome Aggregation Database.;Multiple lines of computational evidence support a deleterious effect on the gene or gene product.;For recessive disorders, detected in trans with a pathogenic variant.

OMIM
Classification: Pathogenic for GRANULOMATOUS DISEASE, CHRONIC, AUTOSOMAL RECESSIVE, 4. Last evaluated: 1992-11-01. Review status: no assertion criteria provided. Collection method: literature only. Allele origin: germline. Not counted in ClinVar's aggregate classification.

Literature cited by the submitters: PubMed 2243141 (cited by 3 submitters); PubMed 29560547 (cited by Labcorp Genetics (formerly Invitae), Labcorp and Myriad Genetics, Inc.); PubMed 30470980 (cited by 3 submitters); PubMed 10910929 (cited by Labcorp Genetics (formerly Invitae), Labcorp); PubMed 20167518 (cited by Labcorp Genetics (formerly Invitae), Labcorp); PubMed 1415254 (cited by 3 submitters); PubMed 21190454 (cited by Natera, Inc.); PubMed 36214981 (cited by Natera, Inc. and Myriad Genetics, Inc.); PubMed 18849343 (cited by Natera, Inc.); PubMed 27614387 (cited by Natera, Inc.); PubMed 28941186 (cited by Myriad Genetics, Inc.); PubMed 36606663 (cited by Myriad Genetics, Inc.).

NM_000101.4(CYBA):c.269G>A (p.Arg90Gln)

Gene: CYBA (cytochrome b-245 alpha chain; minus strand). Cytogenetic location: 16q24.2.
Variant type: single nucleotide variant.
Coding change: c.269G>A on transcript NM_000101.4 (MANE Select); coding-DNA position 269, G replaced by A.
Protein change: p.Arg90Gln; replaces arginine 90 with glutamine.
Molecular consequence: missense variant.
Genome position (GRCh38, 1-based): chr16:88,646,773, C>T on the plus strand (G>A on the coding strand, the complement: CYBA is on the minus strand). VCF-style: chr16-88646773-C-T. GRCh37 (hg19) VCF-style: chr16-88713181-C-T.
Other names: c.269G>A (NM_000101.3); short protein forms R90Q.
Identifiers: ClinVar variation 2258 (VCV000002258.12), dbSNP rs104894513, ClinGen allele CA115448.